The following is an entry in ClinVar:

NM_147127.5(EVC2):c.571A>G (p.Asn191Asp)

Gene: EVC2 (EvC ciliary complex subunit 2; minus strand). Cytogenetic location: 4p16.2.
Variant type: single nucleotide variant.
Coding change: c.571A>G on transcript NM_147127.5 (MANE Select); coding-DNA position 571, A replaced by G.
Protein change: p.Asn191Asp; replaces asparagine 191 with aspartic acid.
Molecular consequence: missense variant.
Genome position (GRCh38, 1-based): chr4:5,689,292, T>C on the plus strand (A>G on the coding strand, the complement: EVC2 is on the minus strand). VCF-style: chr4-5689292-T-C. GRCh37 (hg19) VCF-style: chr4-5691019-T-C.
Other names: c.331A>G, p.Asn111Asp (NM_001166136.2); short protein forms N191D, N111D.
Identifiers: ClinVar variation 558764 (VCV000558764.4), dbSNP rs1560228138, ClinGen allele CA356148574.

ClinVar aggregate classification (germline): Uncertain significance. Review status: criteria provided, multiple submitters, no conflicts (2 of 4 stars). 2 submissions from 2 submitters: Uncertain significance (2). Last evaluated 2026-03-03.

Conditions:
Ellis-van Creveld syndrome (EVC). Also called: Chondroectodermal dysplasia; MESOECTODERMAL DYSPLASIA. Identifiers: Orphanet 289, MedGen C0013903, MONDO:0009162, OMIM 225500.

Submissions (2):

Myriad Genetics, Inc.
Classification: Uncertain significance for Ellis-van Creveld syndrome. Last evaluated: 2026-03-03. Review status: criteria provided, single submitter. Criteria: Myriad Autosomal Dominant, Autosomal Recessive and X-Linked Classification Criteria (2023). Collection method: clinical testing. Allele origin: unknown.
Comment: NM_147127.4(EVC2):c.571A>G(N191D) is a missense variant classified as a variant of uncertain significance in the context of EVC2-related Ellis-van Creveld syndrome. N191D has been observed in a case with relevant disease (PMID: 33875766). Relevant functional assessments of this variant are not available in the literature. N191D has not been observed in referenced population frequency databases. In summary, there is insufficient evidence to classify NM_147127.4(EVC2):c.571A>G(N191D) as pathogenic or benign. Please note: this variant was assessed in the context of healthy population screening.

Rare Disease Group, Clinical Genetics, Karolinska Institutet
Classification: Uncertain significance for Ellis-van Creveld syndrome. Last evaluated: 2018-05-01. Review status: criteria provided, single submitter. Criteria: ACMG Guidelines, 2015. Collection method: research. Allele origin: germline. Inheritance: Autosomal recessive inheritance. Affected: yes.

Literature cited by the submitters: PubMed 33875766 (cited by Myriad Genetics, Inc.).